The following is an entry in ClinVar:

NM_001379286.1(ZNF423):c.2531C>T (p.Ala844Val)

Gene: ZNF423 (zinc finger protein 423; minus strand). Cytogenetic location: 16q12.1.
Variant type: single nucleotide variant.
Coding change: c.2531C>T on transcript NM_001379286.1 (MANE Select); coding-DNA position 2531, C replaced by T.
Protein change: p.Ala844Val; replaces alanine 844 with valine.
Molecular consequence: missense variant.
Genome position (GRCh38, 1-based): chr16:49,636,645, G>A on the plus strand (C>T on the coding strand, the complement: ZNF423 is on the minus strand). VCF-style: chr16-49636645-G-A. GRCh37 (hg19) VCF-style: chr16-49670556-G-A.
Other names: c.2327C>T, p.Ala776Val (NM_001271620.2); c.2156C>T, p.Ala719Val (NM_001330533.2); c.2507C>T, p.Ala836Val (NM_015069.5); c.2507C>T (NM_015069.4); short protein forms A719V, A836V, A776V, A844V.
Identifiers: ClinVar variation 858197 (VCV000858197.9), dbSNP rs201213567, ClinGen allele CA8046492.

ClinVar aggregate classification (germline): Conflicting classifications of pathogenicity. Review status: criteria provided, conflicting classifications (1 of 4 stars). 5 submissions from 4 submitters: Uncertain significance (2); Likely benign (1). 2 of the submissions do not count toward it. Last evaluated 2026-06-05.

Conditions:
Retinal dystrophy. Also called: Inherited retinal dystrophy. Identifiers: Orphanet 71862, MedGen C0854723, MeSH D058499, MONDO:0019118, HP:0000556.
Nephronophthisis 14 (NPHP14). Identifiers: Orphanet 2318, MedGen C3539071, MONDO:0013916, OMIM 614844.
ZNF423-related disorder. Also called: ZNF423-related condition.
Optic atrophy. Identifiers: MedGen C0029124, MONDO:0003608, HP:0000648.

Allele frequency attached by ClinVar (database versions not stated): ESP Exome Variant Server 0.00015; gnomAD 0.00028 and 0.00032; TOPMed 0.00031; gnomAD exomes 0.00034; ExAC 0.00036.
gnomAD v4.1: 704 of 1,613,894 alleles (0.044%); highest among the groups gnomAD compares: Non-Finnish European, 0.057%; no homozygotes.

Submissions (5):

PreventionGenetics, part of Exact Sciences
Classification: Uncertain significance for ZNF423-related condition. Last evaluated: 2026-06-05. Review status: criteria provided, single submitter. Criteria: ACMG Guidelines, 2015. Collection method: clinical testing. Allele origin: germline.
Comment: The ZNF423 c.2507C>T variant is predicted to result in the amino acid substitution p.Ala836Val. To our knowledge, this variant has not been reported in the literature. This variant is reported in 0.064% of alleles in individuals of European (Non-Finnish) descent in gnomAD. Although we suspect that this variant may be benign, at this time, the clinical significance of this variant is uncertain due to the absence of conclusive functional and genetic evidence.

Blueprint Genetics
Classification: Likely benign. Last evaluated: 2024-08-22. Review status: criteria provided, single submitter. Criteria: ACMG Guidelines, 2015. Collection method: clinical testing. Allele origin: germline.

Labcorp Genetics (formerly Invitae), Labcorp
Classification: Uncertain significance for Nephronophthisis 14. Last evaluated: 2022-10-13. Review status: criteria provided, single submitter. Criteria: Invitae Variant Classification Sherloc (09022015). Collection method: clinical testing. Allele origin: germline.
Comment: This sequence change replaces alanine, which is neutral and non-polar, with valine, which is neutral and non-polar, at codon 836 of the ZNF423 protein (p.Ala836Val). This variant is present in population databases (rs201213567, gnomAD 0.06%). This variant has not been reported in the literature in individuals affected with ZNF423-related conditions. ClinVar contains an entry for this variant (Variation ID: 858197). Advanced modeling of protein sequence and biophysical properties (such as structural, functional, and spatial information, amino acid conservation, physicochemical variation, residue mobility, and thermodynamic stability) performed at Invitae indicates that this missense variant is not expected to disrupt ZNF423 protein function. In summary, the available evidence is currently insufficient to determine the role of this variant in disease. Therefore, it has been classified as a Variant of Uncertain Significance.

Institute of Human Genetics, Univ. Regensburg, Univ. Regensburg
Classification: Uncertain significance for Optic atrophy. Last evaluated: 2023-01-01. Review status: no assertion criteria provided. Criteria: ACMG Guidelines, 2015. Collection method: clinical testing. Allele origin: germline. Affected: yes. Not counted in ClinVar's aggregate classification.

Institute of Human Genetics, Univ. Regensburg, Univ. Regensburg
Classification: Uncertain significance for Retinal dystrophy. Last evaluated: 2023-01-01. Review status: no assertion criteria provided. Criteria: ACMG Guidelines, 2015. Collection method: clinical testing. Allele origin: germline. Affected: yes. Not counted in ClinVar's aggregate classification.